The following is an entry in ClinVar:

NM_024422.6(DSC2):c.1812T>A (p.His604Gln)

Gene: DSC2 (desmocollin 2; minus strand). Cytogenetic location: 18q12.1.
Variant type: single nucleotide variant.
Coding change: c.1812T>A on transcript NM_024422.6 (MANE Select); coding-DNA position 1812, T replaced by A.
Protein change: p.His604Gln; replaces histidine 604 with glutamine.
Molecular consequence: missense variant.
Genome position (GRCh38, 1-based): chr18:31,074,759, A>T on the plus strand (T>A on the coding strand, the complement: DSC2 is on the minus strand). VCF-style: chr18-31074759-A-T. GRCh37 (hg19) VCF-style: chr18-28654725-A-T.
Other names: c.1812T>A, p.His604Gln (NM_004949.5); short protein forms H604Q.
Identifiers: ClinVar variation 1420325 (VCV001420325.8), dbSNP rs781010501, ClinGen allele CA402113960.

ClinVar aggregate classification (germline): Uncertain significance (1 of 4 stars; one submission).

Conditions:
Arrhythmogenic right ventricular dysplasia 11. Also called: Arrhythmogenic right ventricular dysplasia 11 with mild palmoplantar keratoderma and woolly hair; Arrhythmogenic Right Ventricular Dysplasia/Cardiomyopathy11; ARRHYTHMOGENIC RIGHT VENTRICULAR DYSPLASIA, FAMILIAL, 11. Identifiers: MedGen C1864850, MONDO:0012506, OMIM 610476.

Allele frequency attached by ClinVar (database versions not stated): TOPMed below 0.00001.

Submission:

Labcorp Genetics (formerly Invitae), Labcorp
Classification: Uncertain significance for Arrhythmogenic right ventricular dysplasia 11. Last evaluated: 2023-05-09. Review status: criteria provided, single submitter. Criteria: Invitae Variant Classification Sherloc (09022015). Collection method: clinical testing. Allele origin: germline.
Comment: In summary, the available evidence is currently insufficient to determine the role of this variant in disease. Therefore, it has been classified as a Variant of Uncertain Significance. Advanced modeling of protein sequence and biophysical properties (such as structural, functional, and spatial information, amino acid conservation, physicochemical variation, residue mobility, and thermodynamic stability) performed at Invitae indicates that this missense variant is not expected to disrupt DSC2 protein function. ClinVar contains an entry for this variant (Variation ID: 1420325). This variant has not been reported in the literature in individuals affected with DSC2-related conditions. This variant is not present in population databases (gnomAD no frequency). This sequence change replaces histidine, which is basic and polar, with glutamine, which is neutral and polar, at codon 604 of the DSC2 protein (p.His604Gln).